The following is an entry in ClinVar:

NM_000218.3(KCNQ1):c.800A>T (p.Tyr267Phe)

Gene: KCNQ1 (potassium voltage-gated channel subfamily Q member 1; plus strand). Cytogenetic location: 11p15.5.
Variant type: single nucleotide variant.
Coding change: c.800A>T on transcript NM_000218.3 (MANE Select); coding-DNA position 800, A replaced by T.
Protein change: p.Tyr267Phe; replaces tyrosine 267 with phenylalanine.
Molecular consequence: missense variant.
Genome position (GRCh38, 1-based): chr11:2,572,865, A>T. VCF-style: chr11-2572865-A-T. GRCh37 (hg19) VCF-style: chr11-2594095-A-T.
Other names: c.800A>T, p.Tyr267Phe (NM_001406836.1); c.530A>T, p.Tyr177Phe (NM_001406837.1); c.419A>T, p.Tyr140Phe (NM_181798.2); short protein forms Y140F, Y267F, Y177F.
Identifiers: ClinVar variation 264075 (VCV000264075.16), dbSNP rs886039033, ClinGen allele CA10587722.

ClinVar aggregate classification (germline): Uncertain significance. Review status: criteria provided, multiple submitters, no conflicts (2 of 4 stars). 3 submissions from 3 submitters: Uncertain significance (3). Last evaluated 2022-08-04.

Conditions:
Cardiovascular phenotype. Identifiers: MedGen CN230736.
Long QT syndrome (LQTS). Identifiers: MedGen C0023976, MeSH D008133, MONDO:0002442. Disease mechanism: loss of function. Inheritance: Various modes of inheritance.

gnomAD v4.1: 2 of 1,613,808 alleles (0.00012%); highest among the groups gnomAD compares: Non-Finnish European, 0.00017%; no homozygotes.

Submissions (3):

Ambry Genetics
Classification: Uncertain significance for Cardiovascular phenotype. Last evaluated: 2022-08-04. Review status: criteria provided, single submitter. Criteria: Ambry Variant Classification Scheme 2023. Collection method: clinical testing. Allele origin: germline.
Comment: The p.Y267F variant (also known as c.800A>T), located in coding exon 6 of the KCNQ1 gene, results from an A to T substitution at nucleotide position 800. The tyrosine at codon 267 is replaced by phenylalanine, an amino acid with some similar properties. This variant has been detected in individuals reported to have QTc intervals >500ms (Ambry internal data). One in vitro study indicated this variant may have some impact on ion channel function (Kuenze G et al. Elife. 2020 10;9:e57680. doi:10.7554/eLife.57680). This amino acid position is highly conserved in available vertebrate species. In addition, this alteration is predicted to be deleterious by in silico analysis. Since supporting evidence is limited at this time, the clinical significance of this variant remains unclear.

Blueprint Genetics
Classification: Uncertain significance. Last evaluated: 2022-04-01. Review status: criteria provided, single submitter. Criteria: ACMG Guidelines, 2015. Collection method: clinical testing. Allele origin: germline.

Labcorp Genetics (formerly Invitae), Labcorp
Classification: Uncertain significance for Long QT syndrome. Last evaluated: 2020-08-08. Review status: criteria provided, single submitter. Criteria: Invitae Variant Classification Sherloc (09022015). Collection method: clinical testing. Allele origin: germline.
Comment: In summary, the available evidence is currently insufficient to determine the role of this variant in disease. Therefore, it has been classified as a Variant of Uncertain Significance. Algorithms developed to predict the effect of missense changes on protein structure and function are either unavailable or do not agree on the potential impact of this missense change (SIFT: "Deleterious"; PolyPhen-2: "Probably Damaging"; Align-GVGD: "Class C15"). This variant has not been reported in the literature in individuals with KCNQ1-related conditions. ClinVar contains an entry for this variant (Variation ID: 264075). This variant is not present in population databases (ExAC no frequency). This sequence change replaces tyrosine with phenylalanine at codon 267 of the KCNQ1 protein (p.Tyr267Phe). The tyrosine residue is highly conserved and there is a small physicochemical difference between tyrosine and phenylalanine.

Literature cited by the submitters: PubMed 33095155 (cited by Ambry Genetics).